The following is an entry in ClinVar:

ClinVar aggregate classification (germline): Uncertain significance (1 of 4 stars; one submission).

Allele frequency attached by ClinVar (database versions not stated): TOPMed 0.00001.

Submission:

Ambry Genetics
Classification: Uncertain significance. Last evaluated: 2022-08-03. Review status: criteria provided, single submitter. Criteria: Ambry Variant Classification Scheme 2023. Collection method: clinical testing. Allele origin: germline.
Comment: The p.A1051V variant (also known as c.3152C>T), located in coding exon 19 of the PKP4 gene, results from a C to T substitution at nucleotide position 3152. The alanine at codon 1051 is replaced by valine, an amino acid with similar properties. This amino acid position is conserved. In addition, the in silico prediction for this alteration is inconclusive. Since supporting evidence is limited at this time, the clinical significance of this alteration remains unclear.

NM_003628.6(PKP4):c.3152C>T (p.Ala1051Val)

Genes: PKP4 (plakophilin 4; plus strand), PKP4-AS1 (PKP4 antisense RNA 1; minus strand). Cytogenetic location: 2q24.1.
Variant type: single nucleotide variant.
Coding change: c.3152C>T on transcript NM_003628.6 (MANE Select); coding-DNA position 3152, C replaced by T.
Protein change: p.Ala1051Val; replaces alanine 1051 with valine.
Molecular consequence: missense variant. On other transcripts: intron variant (3).
Genome position (GRCh38, 1-based): chr2:158,676,763, C>T. VCF-style: chr2-158676763-C-T. GRCh37 (hg19) VCF-style: chr2-159533275-C-T.
Other names: c.3149C>T, p.Ala1050Val (NM_001304969.3, NM_001377219.1, NM_001377220.1 and 1 more transcripts); c.2123C>T, p.Ala708Val (NM_001304970.3); c.3152C>T, p.Ala1051Val (NM_001377218.1); c.3146C>T, p.Ala1049Val (NM_001377222.1, NM_001377223.1); c.3143C>T, p.Ala1048Val (NM_001377224.1); c.3128-1818C>T (NM_001005476.4, NM_001377225.1); c.3125-1818C>T (NM_001377226.1); short protein forms A708V, A1048V, A1049V, A1050V, A1051V.
Identifiers: ClinVar variation 1728208 (VCV001728208.2), dbSNP rs1043508947, ClinGen allele CA58650546.